The following is an entry in ClinVar:

NM_015278.5(SASH1):c.1566C>T (p.Ser522=)

Gene: SASH1 (SAM and SH3 domain containing 1; plus strand). Cytogenetic location: 6q25.1.
Variant type: single nucleotide variant.
Coding change: c.1566C>T on transcript NM_015278.5 (MANE Select); coding-DNA position 1566, C replaced by T.
Protein change: p.Ser522=; no amino-acid change (serine 522 retained).
Molecular consequence: synonymous variant.
Genome position (GRCh38, 1-based): chr6:148,532,798, C>T. VCF-style: chr6-148532798-C-T. GRCh37 (hg19) VCF-style: chr6-148853934-C-T.
Other names: c.1431C>T, p.Ser477= (NM_001346505.2); c.1194C>T, p.Ser398= (NM_001346506.2); c.849C>T, p.Ser283= (NM_001346507.2); c.1338C>T, p.Ser446= (NM_001346508.2); c.1215C>T, p.Ser405= (NM_001346509.2).
Identifiers: ClinVar variation 2656986 (VCV002656986.24), dbSNP rs768928224, ClinGen allele CA4040367.

ClinVar aggregate classification (germline): Likely benign (1 of 4 stars; one submission).

Allele frequency attached by ClinVar (database versions not stated): gnomAD 0.00001; TOPMed 0.00001; ExAC 0.00002; gnomAD exomes 0.00002.
gnomAD v4.1: 26 of 1,613,966 alleles (0.0016%); highest among the groups gnomAD compares: Admixed American, 0.02%; no homozygotes.

Submission:

CeGaT Center for Human Genetics Tuebingen
Classification: Likely benign. Last evaluated: 2022-07-01. Review status: criteria provided, single submitter. Criteria: CeGaT Center For Human Genetics Tuebingen Variant Classification Criteria Version 2. Collection method: clinical testing. Allele origin: germline. Affected: yes. Observed: 1 variant allele.
Comment: SASH1: BP4, BP7